The following is an entry in ClinVar:

NM_001035.3(RYR2):c.6349A>C (p.Ile2117Leu)

Gene: RYR2 (ryanodine receptor 2; plus strand). Cytogenetic location: 1q43.
Variant type: single nucleotide variant.
Coding change: c.6349A>C on transcript NM_001035.3 (MANE Select); coding-DNA position 6349, A replaced by C.
Protein change: p.Ile2117Leu; replaces isoleucine 2117 with leucine.
Molecular consequence: missense variant.
Genome position (GRCh38, 1-based): chr1:237,627,989, A>C. VCF-style: chr1-237627989-A-C. GRCh37 (hg19) VCF-style: chr1-237791289-A-C.
Other names: short protein forms I2117L.
Identifiers: ClinVar variation 3069821 (VCV003069821.1), dbSNP rs1030383955, ClinGen allele CA345411359.

ClinVar aggregate classification (germline): Uncertain significance (1 of 4 stars; one submission).

Conditions:
Catecholaminergic polymorphic ventricular tachycardia (CVPT). Also called: Catecholamine-induced polymorphic ventricular tachycardia. Identifiers: Orphanet 3286, MedGen C5574922, MONDO:0017990.

gnomAD v4.1: 1 of 1,613,944 alleles (0.000062%); no homozygotes.

Submission:

All of Us Research Program, National Institutes of Health
Classification: Uncertain significance for Catecholaminergic polymorphic ventricular tachycardia. Last evaluated: 2023-06-28. Review status: criteria provided, single submitter. Criteria: ACMG Guidelines, 2015. Collection method: clinical testing. Allele origin: germline. Inheritance: Autosomal dominant inheritance. Observed: 2 variant alleles, 2 heterozygotes.
Comment: This missense variant replaces isoleucine with leucine at codon 2117 of the RYR2 protein. Computational prediction suggests that this variant may not impact protein structure and function (internally defined REVEL score threshold <= 0.5, PMID: 27666373). To our knowledge, functional studies have not been reported for this variant. This variant has not been reported in individuals affected with RYR2-related disorders in the literature. This variant has not been identified in the general population by the Genome Aggregation Database (gnomAD). The available evidence is insufficient to determine the role of this variant in disease conclusively. Therefore, this variant is classified as a Variant of Uncertain Significance.

This study involves interpretation of variants in research participants for the purpose of population health screening. Participant phenotype was not available at the time of variant classification. Additional details can be found in publication PMID: 35346344, PMCID: PMC8962531